The following is an entry in ClinVar:

NM_033380.3(COL4A5):c.3053G>A (p.Gly1018Asp)

Gene: COL4A5 (collagen type IV alpha 5 chain; plus strand). Cytogenetic location: Xq22.3.
Variant type: single nucleotide variant.
Coding change: c.3053G>A on transcript NM_033380.3 (MANE Select); coding-DNA position 3053, G replaced by A.
Protein change: p.Gly1018Asp; replaces glycine 1018 with aspartic acid.
Molecular consequence: missense variant.
Genome position (GRCh38, 1-based): chrX:108,625,741, G>A. VCF-style: chrX-108625741-G-A. GRCh37 (hg19) VCF-style: chrX-107868971-G-A.
Other names: c.3053G>A, p.Gly1018Asp (NM_000495.5); short protein forms G1018D.
Identifiers: ClinVar variation 1705447 (VCV001705447.3), dbSNP rs1569498896, ClinGen allele CA413854589.

ClinVar aggregate classification (germline): Pathogenic/Likely pathogenic. Review status: criteria provided, multiple submitters, no conflicts (2 of 4 stars). 3 submissions from 3 submitters: Pathogenic (1); Likely pathogenic (2). Last evaluated 2024-09-07.

Conditions:
X-linked Alport syndrome (ATS1). Also called: COL4A5-Related Nephropathy; NEPHROPATHY AND DEAFNESS, X-LINKED. Identifiers: Orphanet 63, Orphanet 88917, MedGen C4746986, MONDO:0010520, OMIM 301050.

Submissions (3):

Genetics and Genomic Medicine Centre, NeuroGen Healthcare, NeuroGen Healthcare
Classification: Pathogenic for X-linked Alport syndrome. Last evaluated: 2024-09-07. Review status: criteria provided, single submitter. Criteria: ACMG Guidelines, 2015. Collection method: clinical testing. Allele origin: unknown. Affected: yes.

Department of Human Genetics, Hannover Medical School
Classification: Likely pathogenic for X-linked Alport syndrome. Last evaluated: 2024-07-30. Review status: criteria provided, single submitter. Criteria: ACMG Guidelines, 2015. Collection method: clinical testing. Allele origin: germline. Inheritance: X-linked dominant inheritance. Affected: yes.

3billion
Classification: Likely pathogenic for X-linked Alport syndrome. Last evaluated: 2022-09-01. Review status: criteria provided, single submitter. Criteria: ACMG Guidelines, 2015. Collection method: clinical testing. Allele origin: germline. Affected: yes. Observed: 1 heterozygote.
Comment: The variant is not observed in the gnomAD v2.1.1 dataset. Missense changes are a common disease-causing mechanism. In silico tool predictions suggest damaging effect of the variant on gene or gene product (REVEL: 0.93; 3Cnet: 0.83). Same nucleotide change resulting in same amino acid change has been previously reported to be associated with COL4A5-related disorder (PMID: 24304881). A different missense change at the same codon (p.Gly1018Cys) has been reported to be associated with COL4A5-related disorder (ClinVar ID: VCV000829934). Therefore, this variant is classified as Likely pathogenic according to the recommendation of ACMG/AMP guideline.

Literature cited by the submitters: PubMed 24304881 (cited by 3billion).